The following is an entry in ClinVar:

ClinVar aggregate classification (germline): Benign/Likely benign. Review status: criteria provided, multiple submitters, no conflicts (2 of 4 stars). 8 submissions from 8 submitters: Benign (6); Likely benign (2). Last evaluated 2026-06-01.

Conditions:
Primary ciliary dyskinesia. Also called: Ciliary dyskinesia. Identifiers: Orphanet 244, MedGen C0008780, MONDO:0016575, HP:0012265.
Primary ciliary dyskinesia 7. Also called: CILIARY DYSKINESIA, PRIMARY, 7, WITH OR WITHOUT SITUS INVERSUS. Identifiers: Orphanet 244, MedGen C2678473, MONDO:0012748, OMIM 611884.

Allele frequency attached by ClinVar (database versions not stated): 1000 Genomes Project 30x 0.00172; 1000 Genomes Project 0.00180; TOPMed 0.00430; gnomAD exomes 0.00457; gnomAD 0.00497 and 0.00522; ESP Exome Variant Server 0.00615; ExAC 0.00894.
gnomAD v4.1: 12,165 of 1,604,034 alleles (0.76%); highest among the groups gnomAD compares: Non-Finnish European, 0.93%; 69 homozygotes.

Submissions (8):

CeGaT Center for Human Genetics Tuebingen
Classification: Likely benign. Last evaluated: 2026-06-01. Review status: criteria provided, single submitter. Criteria: CeGaT Center For Human Genetics Tuebingen Variant Classification Criteria Version 2. Collection method: clinical testing. Allele origin: germline. Affected: yes. Observed: 13 variant alleles.
Comment: DNAH11: BP4, BP7, BS2

Labcorp Genetics (formerly Invitae), Labcorp
Classification: Benign for Primary ciliary dyskinesia. Last evaluated: 2026-01-28. Review status: criteria provided, single submitter. Criteria: Invitae Variant Classification Sherloc (09022015). Collection method: clinical testing. Allele origin: germline.

Mayo Clinic Laboratories, Mayo Clinic
Classification: Benign. Last evaluated: 2024-12-05. Review status: criteria provided, single submitter. Criteria: ACMG Guidelines, 2015. Collection method: clinical testing. Allele origin: germline. Observed: 4 variant alleles.
Comment: BS1, BS2, BP4, BP7

ARUP Laboratories, Molecular Genetics and Genomics, ARUP Laboratories
Classification: Benign for Primary ciliary dyskinesia 7. Last evaluated: 2024-11-16. Review status: criteria provided, single submitter. Criteria: ARUP Molecular Germline Variant Investigation Process 2024. Collection method: clinical testing. Allele origin: germline.

GeneDx
Classification: Likely benign. Last evaluated: 2020-09-07. Review status: criteria provided, single submitter. Criteria: GeneDx Variant Classification Process June 2021. Collection method: clinical testing. Allele origin: germline. Affected: yes.

Eurofins Ntd Llc (ga)
Classification: Benign. Last evaluated: 2016-02-22. Review status: criteria provided, single submitter. Criteria: EGL Classification Definitions 2015. Collection method: clinical testing. Allele origin: germline. Observed: 1 variant allele, 1 heterozygote.

Laboratory for Molecular Medicine, Mass General Brigham Personalized Medicine
Classification: Benign. Last evaluated: 2013-02-21. Review status: criteria provided, single submitter. Criteria: LMM Criteria. Collection method: clinical testing. Allele origin: germline. Observed: 3 variant alleles.
Comment: Ser313Ser in exon 5 of DNAH11: This variant is not expected to have clinical sig nificance because it does not alter an amino acid residue and is not located wit hin the splice consensus sequence. It has been identified in 0.8% (69/8254) of E uropean American chromosomes from a broad population by the NHLBI Exome Sequenci ng Project (dbSNP rs72655977).

PreventionGenetics, part of Exact Sciences
Classification: Benign. Review status: criteria provided, single submitter. Criteria: ACMG Guidelines, 2015. Collection method: clinical testing. Allele origin: germline.

NM_001277115.2(DNAH11):c.939C>T (p.Ser313=)

Gene: DNAH11 (dynein axonemal heavy chain 11; plus strand). Cytogenetic location: 7p15.3.
Variant type: single nucleotide variant.
Coding change: c.939C>T on transcript NM_001277115.2 (MANE Select); coding-DNA position 939, C replaced by T.
Protein change: p.Ser313=; no amino-acid change (serine 313 retained).
Molecular consequence: synonymous variant.
Genome position (GRCh38, 1-based): chr7:21,561,127, C>T. VCF-style: chr7-21561127-C-T. GRCh37 (hg19) VCF-style: chr7-21600745-C-T.
Other names: p.Ser313=.
Identifiers: ClinVar variation 178722 (VCV000178722.65), dbSNP rs72655977, ClinGen allele CA182885.